The following continues an entry in ClinVar:

NM_000142.5(FGFR3):c.1948A>G (p.Lys650Glu)

Gene: FGFR3. ClinVar aggregate classification (germline): Pathogenic. Pathogenic (19).

Submissions 7 to 17 of 28:

ARUP Laboratories, Molecular Genetics and Genomics, ARUP Laboratories
Classification: Pathogenic. Last evaluated: 2025-06-24. Review status: criteria provided, single submitter. Criteria: ARUP Molecular Germline Variant Investigation Process 2024. Collection method: clinical testing. Allele origin: germline.
Comment: The FGFR3 c.1948A>G; p.Lys650Glu variant (rs78311289) is reported in the literature as a de novo variant in multiple individuals affected with thanatophoric dysplasia type II (Tavormina 1995, Tonni 2014, Xue 2014). This variant is reported in ClinVar (Variation ID: 16331), and is absent from the Genome Aggregation Database, indicating it is not a common polymorphism. The lysine at codon 650 is highly conserved, and computational analyses predict that this variant is deleterious (REVEL: 0.837). Functional analyses of the variant protein show a gain of function leading to constitutive activation (Huang 2013, Livens 2003). Additionally, other amino acid substitutions at this codon (Met, Asn, Gln, Thr) have been reported in individuals with skeletal dysplasias and are considered pathogenic (Bellus 2000). Based on available information, this variant is considered to be pathogenic. References: Bellus GA et al. Distinct missense mutations of the FGFR3 lys650 codon modulate receptor kinase activation and the severity of the skeletal dysplasia phenotype. Am J Hum Genet. 2000 Dec;67(6):1411-21. PMID: 11055896. Huang Z et al. Structural mimicry of a-loop tyrosine phosphorylation by a pathogenic FGF receptor 3 mutation. Structure 2013 21(10):1889-1896. PMID: 23972473. Lievens PM and Liboi E. The thanatophoric dysplasia type II mutation hampers complete maturation of fibroblast growth factor receptor 3 (FGFR3), which activates signal transducer and activator of transcription 1 (STAT1) from the endoplasmic reticulum. J Biol Chem 2003 278:17344-17349. PMID: 12624096. Tavormina PL et al. Thanatophoric dysplasia (types I and II) caused by distinct mutations in fibroblast growth factor receptor 3. Nat Genet 1995 9(3):321-328. PMID: 7773297. Tonni G et al. Dysmorphic choroid plexuses and hydrocephalus associated with increased nuchal translucency: early ultrasound markers of de novo thanatophoric dysplasia type II with cloverleaf skull (Kleeblattschaedel). Congenit Anom (Kyoto) 2014 4(4):228-232. PMID: 24517215. Xue Y et al. FGFR3 mutation frequency in 324 cases from the International Skeletal Dysplasia Registry. Mol Genet Genomic Med 2014 2(6):497-503. PMID: 25614871.

Labcorp Genetics (formerly Invitae), Labcorp
Classification: Pathogenic. Last evaluated: 2024-11-05. Review status: criteria provided, single submitter. Criteria: Invitae Variant Classification Sherloc (09022015). Collection method: clinical testing. Allele origin: germline.
Comment: This sequence change replaces lysine, which is basic and polar, with glutamic acid, which is acidic and polar, at codon 650 of the FGFR3 protein (p.Lys650Glu). This variant is not present in population databases (gnomAD no frequency). This missense change has been observed in individual(s) with thanatophoric dysplasia (PMID: 7773297, 11241532, 24075385). In at least one individual the variant was observed to be de novo. ClinVar contains an entry for this variant (Variation ID: 16331). Invitae Evidence Modeling of protein sequence and biophysical properties (such as structural, functional, and spatial information, amino acid conservation, physicochemical variation, residue mobility, and thermodynamic stability) indicates that this missense variant is expected to disrupt FGFR3 protein function with a positive predictive value of 95%. Experimental studies have shown that this missense change affects FGFR3 function (PMID: 19088846). This variant disrupts the p.650Lys amino acid residue in FGFR3. Other variant(s) that disrupt this residue have been determined to be pathogenic (PMID: 11055896, 16912704, 20453470, 21510009). This suggests that this residue is clinically significant, and that variants that disrupt this residue are likely to be disease-causing. For these reasons, this variant has been classified as Pathogenic.

Blueprint Genetics
Classification: Pathogenic for FGFR3-related disorders. Last evaluated: 2024-10-01. Review status: criteria provided, single submitter. Criteria: ACMG Guidelines, 2015. Collection method: clinical testing. Allele origin: de novo. Affected: yes. Observed: 5 variant alleles.

Fulgent Genetics
Classification: Pathogenic for Achondroplasia; Malignant tumor of urinary bladder; Colorectal cancer; Hypochondroplasia; Epidermal nevus; Thanatophoric dysplasia type 1; Thanatophoric dysplasia, type 2; Germ cell tumor of testis; Muenke syndrome; Cervical cancer; Camptodactyly-tall stature-scoliosis-hearing loss syndrome; Crouzon syndrome-acanthosis nigricans syndrome; Severe achondroplasia-developmental delay-acanthosis nigricans syndrome; Lacrimoauriculodentodigital syndrome 2. Last evaluated: 2024-03-25. Review status: criteria provided, single submitter. Criteria: ACMG Guidelines, 2015. Collection method: clinical testing. Allele origin: germline.

Women's Health and Genetics/Laboratory Corporation of America, LabCorp
Classification: Pathogenic for Thanatophoric dysplasia. Last evaluated: 2023-06-16. Review status: criteria provided, single submitter. Criteria: LabCorp Variant Classification Summary - May 2015. Collection method: clinical testing. Allele origin: germline.
Comment: Variant summary: FGFR3 c.1948A>G (p.Lys650Glu) results in a conservative amino acid change located in the Serine-threonine/tyrosine-protein catalytic kinase domain (IPR001245) of the encoded protein sequence. Four of five in-silico tools predict a damaging effect of the variant on protein function. The variant was absent in 249076 control chromosomes in gnomAD. c.1948A>G has been reported in the literature in multiple individuals affected with Thanatophoric Dysplasia, including multiple de novo occurrences (example: Tavormina_1995, Xue_2014, Zhang_2021, Bowling_2022). These data indicate that the variant is very likely to be associated with disease. Experimental evidence evaluating an impact on protein function demonstrated the variant exhibits profound in vitro kinase activation (example: Webster_1996, Tavormina_1999). Other variants at the Lys650 residue have been reported as associated with disease (p.Lys650Met/Gln/Thr/Asn), suggesting that this amino acid residue is functionally important (Bellus_2000). The following publications have been ascertained in the context of this evaluation (PMID: 11055896, 34930662, 10053006, 7773297, 8754806, 25614871, 33942288). Seven clinical diagnostic laboratories have submitted clinical-significance assessments for this variant to ClinVar after 2014 and all classified the variant as pathogenic. Based on the evidence outlined above, the variant was classified as pathogenic.

Genetics and Molecular Pathology, SA Pathology
Classification: Pathogenic for Thanatophoric dysplasia, type 2. Last evaluated: 2023-04-04. Review status: criteria provided, single submitter. Criteria: ACMG Guidelines, 2015. Collection method: clinical testing. Allele origin: germline. Inheritance: Autosomal dominant inheritance. Affected: yes.
Comment: The FGFR3 c.1948A>G variant is classified as PATHOGENIC (PS4, PS2, PS3, PP3) The FGFR3 c.1948A>G variant is a single nucleotide change in exon 14/18 of the FGFR3 gene, which is predicted to change the amino acid lysine at position 650 in the protein to glutamic acid. This recurrent variant is identified in >99% of individuals with Thanophoric dysplasia type II (PS4). This variant has been identified as a de novo variant in multiple individuals in the literature (PMID:31994750, PMID:34930662, PMID:20704477, PMID:25614871) (PS2). This variant is absent from population databases. Well-established functional studies show a deleterious effect of this variant (PMID:19088846, PMID:23972473, PMID:15843401, PMID:21273588, PMID:8599935) (PS3). Other variants that disrupt this residue have been determined to be pathogenic (PMID:11055896, PMID:16912704, PMID:20453470, PMID:21510009). Computational predictions support a deleterious effect on the gene or gene product (PP3). Thise variant has been reported in dbSNP (rs78311289) and in the HGMD database: CM950476. It has been reported as Pathogenic by other diagnostic laboratories (ClinVar Variation ID: 16331).

Genesolutions, Medical Genetics Institutes, Ho Chi Minh City, Vietnam
Classification: Pathogenic for Thanatophoric dysplasia type 1. Last evaluated: 2022-06-22. Review status: criteria provided, single submitter. Criteria: ACMG Guidelines, 2015. Collection method: clinical testing. Allele origin: de novo. Affected: yes. Observed: 1 variant allele.

Revvity Omics, Revvity
Classification: Pathogenic. Last evaluated: 2022-05-24. Review status: criteria provided, single submitter. Criteria: ACMG Guidelines, 2015. Collection method: clinical testing. Allele origin: germline.

GeneDx
Classification: Pathogenic. Last evaluated: 2022-04-25. Review status: criteria provided, single submitter. Criteria: GeneDx Variant Classification Process June 2021. Collection method: clinical testing. Allele origin: germline. Affected: yes.
Comment: The p.(K650E) variant is reported to be exclusively associated with thanatophoric dysplasia type II (Trujillo-Tiebas et al., 2009; Foldynova-Trantirkova et al., 2012); Published functional studies demonstrate that the variant results in constitutive autophosphorylation and activation of the FGF receptor (Otsuka et al., 2011; Webster et al., 1997); In silico analysis supports that this missense variant has a deleterious effect on protein structure/function; Not observed at significant frequency in large population cohorts (gnomAD); This variant is associated with the following publications: (PMID: 21204232, 24517215, 31994750, 23972473, 19855393, 12461689, 19789973, 15843401, 22843502, 9857065, 19088846, 11241532, 24075385, 11406607, 11055896, 10918587, 9315632, 21273588, 7773297, 30692697, 30132994, 29458880, 33942288, 22045636)

HudsonAlpha Institute for Biotechnology
Classification: Pathogenic for Thanatophoric dysplasia, type 2. Last evaluated: 2020-04-23. Review status: criteria provided, single submitter. Criteria: ACMG Guidelines, 2015. Collection method: research. Allele origin: de novo. Affected: yes. Observed: 1 variant allele. Study: CSER-SouthSeq.
Comment: ACMG codes: PS2, PS3, PS4, PM2, PP3, PP4, PP5

Clinical Genetics and Genomics, Karolinska University Hospital
Classification: Pathogenic. Last evaluated: 2014-08-28. Review status: criteria provided, single submitter. Criteria: ACMG Guidelines, 2015. Collection method: clinical testing. Allele origin: germline. Affected: yes. Observed: 2 variant alleles.